The following is an entry in ClinVar:

NM_020806.5(GPHN):c.913C>T (p.Arg305Cys)

Gene: GPHN (gephyrin; plus strand). Cytogenetic location: 14q23.3.
Variant type: single nucleotide variant.
Coding change: c.913C>T on transcript NM_020806.5 (MANE Select); coding-DNA position 913, C replaced by T.
Protein change: p.Arg305Cys; replaces arginine 305 with cysteine.
Molecular consequence: missense variant.
Genome position (GRCh38, 1-based): chr14:66,965,275, C>T. VCF-style: chr14-66965275-C-T. GRCh37 (hg19) VCF-style: chr14-67431992-C-T.
Other names: c.814C>T, p.Arg272Cys (NM_001024218.2, NM_001377515.1, NM_001377516.1 and 2 more transcripts); c.853C>T, p.Arg285Cys (NM_001377514.1, NM_001377519.1); short protein forms R272C, R285C, R305C.
Identifiers: ClinVar variation 3666840 (VCV003666840.2).

ClinVar aggregate classification (germline): Uncertain significance (1 of 4 stars; one submission).

Conditions:
Sulfite oxidase deficiency due to molybdenum cofactor deficiency type C. Also called: Molybdenum cofactor deficiency C; Molybdenum cofactor deficiency, complementation group C. Identifiers: Orphanet 308400, Orphanet 833, MedGen C1854990, MONDO:0014212, OMIM 615501.

gnomAD v4.1: 7 of 1,613,052 alleles (0.00043%); highest among the groups gnomAD compares: African/African-American, 0.0013%; no homozygotes.

Submission:

Labcorp Genetics (formerly Invitae), Labcorp
Classification: Uncertain significance for Sulfite oxidase deficiency due to molybdenum cofactor deficiency type C. Last evaluated: 2025-01-22. Review status: criteria provided, single submitter. Criteria: Invitae Variant Classification Sherloc (09022015). Collection method: clinical testing. Allele origin: germline.
Comment: This sequence change replaces arginine, which is basic and polar, with cysteine, which is neutral and slightly polar, at codon 305 of the GPHN protein (p.Arg305Cys). This variant is present in population databases (rs757052160, gnomAD 0.003%). This variant has not been reported in the literature in individuals affected with GPHN-related conditions. An algorithm developed to predict the effect of missense changes on protein structure and function (PolyPhen-2) suggests that this variant is likely to be tolerated. In summary, the available evidence is currently insufficient to determine the role of this variant in disease. Therefore, it has been classified as a Variant of Uncertain Significance.